The following is an entry in ClinVar:

ClinVar aggregate classification (germline): Conflicting classifications of pathogenicity. Review status: criteria provided, conflicting classifications (1 of 4 stars). 5 submissions from 5 submitters: Uncertain significance (4); Benign (1). Last evaluated 2026-01-06.

Conditions:
Hereditary cancer-predisposing syndrome. Also called: Hereditary Cancer Syndrome; Hereditary neoplastic syndrome; Neoplastic Syndromes, Hereditary; Tumor predisposition. Identifiers: Orphanet 140162, MedGen C0027672, MeSH D009386, MONDO:0015356.
Oligodontia-cancer predisposition syndrome. Also called: TOOTH AGENESIS-COLORECTAL CANCER SYNDROME. Identifiers: Orphanet 300576, MedGen C1837750, MONDO:0012075, OMIM 608615. Disease mechanism: loss of function.

gnomAD v4.1: 16 of 1,613,628 alleles (0.00099%); highest among the groups gnomAD compares: South Asian, 0.0099%; no homozygotes.

Submissions (5):

Labcorp Genetics (formerly Invitae), Labcorp
Classification: Uncertain significance for Oligodontia-cancer predisposition syndrome. Last evaluated: 2026-01-06. Review status: criteria provided, single submitter. Criteria: Invitae Variant Classification Sherloc (09022015). Collection method: clinical testing. Allele origin: germline.
Comment: This sequence change replaces alanine, which is neutral and non-polar, with serine, which is neutral and polar, at codon 643 of the AXIN2 protein (p.Ala643Ser). This variant is present in population databases (rs748005374, gnomAD 0.02%). This variant has not been reported in the literature in individuals affected with AXIN2-related conditions. ClinVar contains an entry for this variant (Variation ID: 408854). Invitae Evidence Modeling of protein sequence and biophysical properties (such as structural, functional, and spatial information, amino acid conservation, physicochemical variation, residue mobility, and thermodynamic stability) indicates that this missense variant is not expected to disrupt AXIN2 protein function with a negative predictive value of 80%. In summary, the available evidence is currently insufficient to determine the role of this variant in disease. Therefore, it has been classified as a Variant of Uncertain Significance.

Ambry Genetics
Classification: Benign for Hereditary cancer-predisposing syndrome. Last evaluated: 2024-02-26. Review status: criteria provided, single submitter. Criteria: Ambry Variant Classification Scheme 2023. Collection method: clinical testing. Allele origin: germline.

Women's Health and Genetics/Laboratory Corporation of America, LabCorp
Classification: Uncertain significance. Last evaluated: 2022-04-29. Review status: criteria provided, single submitter. Criteria: LabCorp Variant Classification Summary - May 2015. Collection method: clinical testing. Allele origin: germline.

GeneDx
Classification: Uncertain significance. Last evaluated: 2022-03-30. Review status: criteria provided, single submitter. Criteria: GeneDx Variant Classification Process June 2021. Collection method: clinical testing. Allele origin: germline. Affected: yes.
Comment: In silico analysis supports that this missense variant does not alter protein structure/function; Has not been previously published as pathogenic or benign to our knowledge; This variant is associated with the following publications: (PMID: 15735151)

Sema4
Classification: Uncertain significance for Hereditary cancer-predisposing syndrome. Last evaluated: 2022-03-15. Review status: criteria provided, single submitter. Criteria: Sema4 Curation Guidelines. Collection method: curation. Allele origin: germline.
Comment: The AXIN2 c.1927G>T (p.A643S) variant has not been reported in the literature to our knowledge. It was observed in 6/30536 chromosomes of the South Asian subpopulation in the Genome Aggregation Database (PMID: 32461654). This variant has been reported in ClinVar (Variation ID 408854). In silico tools suggest that the impact of the variant on protein function is benign, though these predictions have not been confirmed by functional studies. The evidence is insufficient to meet ACMG/AMP criteria for classifying the variant as benign or pathogenic. Thus, the clinical significance of this variant is currently uncertain.

NM_004655.4(AXIN2):c.1927G>T (p.Ala643Ser)

Gene: AXIN2 (axin 2; minus strand). Cytogenetic location: 17q24.1.
Variant type: single nucleotide variant.
Coding change: c.1927G>T on transcript NM_004655.4 (MANE Select); coding-DNA position 1927, G replaced by T.
Protein change: p.Ala643Ser; replaces alanine 643 with serine.
Molecular consequence: missense variant.
Genome position (GRCh38, 1-based): chr17:65,536,534, C>A on the plus strand (G>T on the coding strand, the complement: AXIN2 is on the minus strand). VCF-style: chr17-65536534-C-A. GRCh37 (hg19) VCF-style: chr17-63532652-C-A.
Other names: c.1927G>T (LRG_296t1); c.1732G>T, p.Ala578Ser (NM_001363813.1); short protein forms A643S, A578S.
Identifiers: ClinVar variation 408854 (VCV000408854.13), dbSNP rs748005374, ClinGen allele CA8718454.